The following is an entry in ClinVar:

NM_182961.4(SYNE1):c.1942C>T (p.Arg648Ter)

Gene: SYNE1 (spectrin repeat containing nuclear envelope protein 1; minus strand). Cytogenetic location: 6q25.2.
Variant type: single nucleotide variant.
Coding change: c.1942C>T on transcript NM_182961.4 (MANE Select); coding-DNA position 1942, C replaced by T.
Protein change: p.Arg648Ter; replaces arginine 648 with a stop codon.
Molecular consequence: nonsense.
Genome position (GRCh38, 1-based): chr6:152,463,508, G>A on the plus strand (C>T on the coding strand, the complement: SYNE1 is on the minus strand). VCF-style: chr6-152463508-G-A. GRCh37 (hg19) VCF-style: chr6-152784643-G-A.
Other names: c.1963C>T, p.Arg655Ter (NM_033071.5); short protein forms R648*, R655*.
Identifiers: ClinVar variation 2417840 (VCV002417840.7), dbSNP rs1478908449, ClinGen allele CA366125017.

ClinVar aggregate classification (germline): Pathogenic. Review status: criteria provided, multiple submitters, no conflicts (2 of 4 stars). 2 submissions from 2 submitters: Pathogenic (2). Last evaluated 2025-12-24.

Conditions:
Autosomal recessive ataxia, Beauce type. Also called: Spinocerebellar ataxia, autosomal recessive 8; ATAXIA, RECESSIVE, OF BEAUCE; SYNE1-Related Autosomal Recessive Cerebellar Ataxia; SYNE1 Deficiency. Identifiers: Orphanet 88644, MedGen C1853116, MONDO:0012549, OMIM 610743.
Emery-Dreifuss muscular dystrophy 4, autosomal dominant (EDMD4). Also called: EMERY-DREIFUSS MUSCULAR DYSTROPHY 4 WITH VARIABLE FEATURES. Identifiers: Orphanet 261, MedGen C2751807, MONDO:0013071, OMIM 612998.

Allele frequency attached by ClinVar (database versions not stated): gnomAD 0.00001; TOPMed 0.00001.
gnomAD v4.1: 5 of 1,612,310 alleles (0.00031%); highest among the groups gnomAD compares: Non-Finnish European, 0.00034%; no homozygotes.

Submissions (2):

Women's Health and Genetics/Laboratory Corporation of America, LabCorp
Classification: Pathogenic for Autosomal recessive ataxia, Beauce type. Last evaluated: 2025-12-24. Review status: criteria provided, single submitter. Criteria: LabCorp Variant Classification Summary - May 2015. Collection method: clinical testing. Allele origin: germline.
Comment: Variant summary: SYNE1 c.1963C>T (p.Arg655X) results in a premature termination codon, predicted to cause absence of the protein due to nonsense mediated decay, which is a commonly known mechanism for disease. The frequency data for this variant in gnomAD is considered unreliable, as metrics indicate poor data quality at this position. To our knowledge, no occurrence of c.1963C>T in individuals affected with SYNE1-related conditions and no experimental evidence demonstrating its impact on protein function have been reported. ClinVar contains an entry for this variant (Variation ID: 2417840). Based on the evidence outlined above, the variant was classified as pathogenic.

Labcorp Genetics (formerly Invitae), Labcorp
Classification: Pathogenic for Emery-Dreifuss muscular dystrophy 4, autosomal dominant; Autosomal recessive ataxia, Beauce type. Last evaluated: 2024-10-15. Review status: criteria provided, single submitter. Criteria: Invitae Variant Classification Sherloc (09022015). Collection method: clinical testing. Allele origin: germline.
Comment: This sequence change creates a premature translational stop signal (p.Arg655*) in the SYNE1 gene. It is expected to result in an absent or disrupted protein product. Loss-of-function variants in SYNE1 are known to be pathogenic (PMID: 19542096, 24319099, 27086870). This variant is not present in population databases (gnomAD no frequency). This variant has not been reported in the literature in individuals affected with SYNE1-related conditions. ClinVar contains an entry for this variant (Variation ID: 2417840). Algorithms developed to predict the effect of sequence changes on RNA splicing suggest that this variant may disrupt the consensus splice site. For these reasons, this variant has been classified as Pathogenic.

Literature cited by the submitters: PubMed 19542096 (cited by Labcorp Genetics (formerly Invitae), Labcorp); PubMed 24319099 (cited by Labcorp Genetics (formerly Invitae), Labcorp); PubMed 27086870 (cited by Labcorp Genetics (formerly Invitae), Labcorp).